The following is an entry in ClinVar:

ClinVar aggregate classification (germline): Likely benign (1 of 4 stars; one submission).

gnomAD v4.1: 2 of 1,344,368 alleles (0.00015%); highest among the groups gnomAD compares: Non-Finnish European, 0.00019%; no homozygotes.

Submission:

CeGaT Center for Human Genetics Tuebingen
Classification: Likely benign. Last evaluated: 2022-09-01. Review status: criteria provided, single submitter. Criteria: CeGaT Center For Human Genetics Tuebingen Variant Classification Criteria Version 2. Collection method: clinical testing. Allele origin: germline. Affected: yes. Observed: 1 variant allele.
Comment: LRRC24: PM2:Supporting, BP4, BP7

NM_001024678.4(LRRC24):c.1113G>A (p.Gln371=)

Genes: LRRC14 (leucine rich repeat containing 14; plus strand), LRRC24 (leucine rich repeat containing 24; minus strand), LOC130001413 (ATAC-STARR-seq lymphoblastoid silent region 19702; plus strand). Cytogenetic location: 8q24.3.
Variant type: single nucleotide variant.
Coding change: c.1113G>A on transcript NM_001024678.4 (MANE Select); coding-DNA position 1113, G replaced by A.
Protein change: p.Gln371=; no amino-acid change (glutamine 371 retained).
Molecular consequence: synonymous variant. On other transcripts: 3 prime UTR variant (2).
Genome position (GRCh38, 1-based): chr8:144,522,904, C>T on the plus strand (G>A on the coding strand, the complement: LRRC24 is on the minus strand). VCF-style: chr8-144522904-C-T. GRCh37 (hg19) VCF-style: chr8-145748288-C-T.
Other names: c.*1426C>T (NM_001272036.2, NM_014665.4).
Identifiers: ClinVar variation 2658997 (VCV002658997.24), dbSNP rs2538202599, ClinGen allele CA463569579.